The following is an entry in ClinVar:

NM_001372574.1(ATXN2):c.1856A>T (p.Glu619Val)

Gene: ATXN2 (ataxin 2; minus strand). Cytogenetic location: 12q24.12.
Variant type: single nucleotide variant.
Coding change: c.1856A>T on transcript NM_001372574.1 (MANE Select); coding-DNA position 1856, A replaced by T.
Protein change: p.Glu619Val; replaces glutamic acid 619 with valine.
Molecular consequence: missense variant. On other transcripts: non-coding transcript variant (1).
Genome position (GRCh38, 1-based): chr12:111,509,899, T>A on the plus strand (A>T on the coding strand, the complement: ATXN2 is on the minus strand). VCF-style: chr12-111509899-T-A. GRCh37 (hg19) VCF-style: chr12-111947703-T-A.
Other names: c.1541A>T, p.Glu514Val (NM_001310121.1); c.1469A>T, p.Glu490Val (NM_001310123.1); c.1856A>T, p.Glu619Val (NM_002973.4); short protein forms E514V, E619V, E490V.
Identifiers: ClinVar variation 382319 (VCV000382319.3), dbSNP rs760490040, ClinGen allele CA6790540.
Genomic context (GRCh38, chr12:111,509,899, plus strand): 5'-CATACTTCTTCCTATTCCTACAGTTAAGCTTAATGACTCTTTAAACTCTAACCTTTGTTT[T>A]CAGCTTTTGAGAAGCTAGGTGATGTTTCATTGGGTTTAATATTTTCTTTATTCCCTGCAG-3'
Protein context (NP_001359503.1, residues 609-629): NETSPSFSKA[Glu619Val]NKGISPVVSE

ClinVar aggregate classification (germline): Uncertain significance. Review status: criteria provided, multiple submitters, no conflicts (2 of 4 stars). 2 submissions from 2 submitters: Uncertain significance (2). Last evaluated 2025-02-08.

Conditions:
Inborn genetic diseases. Identifiers: MedGen C0950123, MeSH D030342.

Allele frequency attached by ClinVar (database versions not stated): gnomAD exomes 0.00001; TOPMed 0.00001.
gnomAD v4.1: 9 of 1,608,238 alleles (0.00056%); highest among the groups gnomAD compares: South Asian, 0.0022%; no homozygotes.

Submissions (2):

Ambry Genetics
Classification: Uncertain significance for Inborn genetic diseases. Last evaluated: 2025-02-08. Review status: criteria provided, single submitter. Criteria: Ambry Variant Classification Scheme 2023. Collection method: clinical testing. Allele origin: germline.

GeneDx
Classification: Uncertain significance. Last evaluated: 2015-12-22. Review status: criteria provided, single submitter. Criteria: GeneDx Variant Classification (06012015). Collection method: clinical testing. Allele origin: germline. Affected: yes.
Comment: The E779V variant in the ATXN2 gene has not been reported previously as a pathogenic variant, noras a benign variant, to our knowledge. The E779V variant was not observed in approximately 6,500individuals of European and African American ancestry in the NHLBI Exome Sequencing Project, indicating it is not a common benign variant in these populations. The E779V variant is a non-conservative amino acid substitution, which is likely to impact secondary protein structure as these residues differ in polarity, charge, size and/or other properties. This substitution occurs at a position that is conserved in mammalian species. In silico analysis is inconsistent in its predictions as to whether or not the variant is damaging to the protein structure/function. We interpret E779V as a variant of uncertain significance.